The following is an entry in ClinVar:

NM_005334.3(HCFC1):c.4520C>T (p.Ser1507Leu)

Gene: HCFC1 (host cell factor C1; minus strand). Cytogenetic location: Xq28.
Variant type: single nucleotide variant.
Coding change: c.4520C>T on transcript NM_005334.3 (MANE Select); coding-DNA position 4520, C replaced by T.
Protein change: p.Ser1507Leu; replaces serine 1507 with leucine.
Molecular consequence: missense variant.
Genome position (GRCh38, 1-based): chrX:153,952,936, G>A on the plus strand (C>T on the coding strand, the complement: HCFC1 is on the minus strand). VCF-style: chrX-153952936-G-A. GRCh37 (hg19) VCF-style: chrX-153218387-G-A.
Other names: short protein forms S1507L.
Identifiers: ClinVar variation 954742 (VCV000954742.9), dbSNP rs782560491, ClinGen allele CA10556953.
Genomic context (GRCh38, chrX:153,952,936, plus strand): 5'-AGGGCTGTGGAAGCCGACTGCAGAAGCTGCCGTGGCGGCAGCTGCTGGCGAGGACCTGGC[G>A]ACACCTGGAGTTCCTCTGGGGGCTGCAGGATGTCAACAGCAGAGAAGGGCATGTCAGAAG-3'
Protein context (NP_005325.2, residues 1497-1517): SVPPPEELQV[Ser1507Leu]PGPRQQLPPR

ClinVar aggregate classification (germline): Uncertain significance (1 of 4 stars; one submission).

Conditions:
Methylmalonic acidemia with homocystinuria, type cblX (MAHCX). Also called: INTELLECTUAL DEVELOPMENTAL DISORDER, X-LINKED 3. Identifiers: Orphanet 369962, MedGen C0796208, MONDO:0010657, OMIM 309541.

Allele frequency attached by ClinVar (database versions not stated): gnomAD exomes 0.00001 and 0.00002; TOPMed 0.00001; gnomAD 0.00002; ExAC 0.00006.
gnomAD v4.1: 15 of 1,174,549 alleles (0.0013%); highest among the groups gnomAD compares: African/African-American, 0.0018%; no homozygotes.

Submission:

Labcorp Genetics (formerly Invitae), Labcorp
Classification: Uncertain significance for Methylmalonic acidemia with homocystinuria, type cblX. Last evaluated: 2025-01-27. Review status: criteria provided, single submitter. Criteria: Invitae Variant Classification Sherloc (09022015). Collection method: clinical testing. Allele origin: germline.
Comment: This sequence change replaces serine, which is neutral and polar, with leucine, which is neutral and non-polar, at codon 1507 of the HCFC1 protein (p.Ser1507Leu). This variant is present in population databases (rs782560491, gnomAD 0.01%). This variant has not been reported in the literature in individuals affected with HCFC1-related conditions. ClinVar contains an entry for this variant (Variation ID: 954742). An algorithm developed to predict the effect of missense changes on protein structure and function (PolyPhen-2) suggests that this variant is likely to be disruptive. In summary, the available evidence is currently insufficient to determine the role of this variant in disease. Therefore, it has been classified as a Variant of Uncertain Significance.